The following is an entry in ClinVar:

ClinVar aggregate classification (germline): Uncertain significance (1 of 4 stars; one submission).

Allele frequency attached by ClinVar (database versions not stated): TOPMed 0.00001.

Submission:

Labcorp Genetics (formerly Invitae), Labcorp
Classification: Uncertain significance. Last evaluated: 2022-12-18. Review status: criteria provided, single submitter. Criteria: Invitae Variant Classification Sherloc (09022015). Collection method: clinical testing. Allele origin: germline.
Comment: In summary, the available evidence is currently insufficient to determine the role of this variant in disease. Therefore, it has been classified as a Variant of Uncertain Significance. Algorithms developed to predict the effect of missense changes on protein structure and function (SIFT, PolyPhen-2, Align-GVGD) all suggest that this variant is likely to be tolerated. This variant has not been reported in the literature in individuals affected with COMP-related conditions. This variant is not present in population databases (gnomAD no frequency). This sequence change replaces alanine, which is neutral and non-polar, with valine, which is neutral and non-polar, at codon 419 of the COMP protein (p.Ala419Val).

NM_000095.3(COMP):c.1256C>T (p.Ala419Val)

Gene: COMP (cartilage oligomeric matrix protein; minus strand). Cytogenetic location: 19p13.11.
Variant type: single nucleotide variant.
Coding change: c.1256C>T on transcript NM_000095.3 (MANE Select); coding-DNA position 1256, C replaced by T.
Protein change: p.Ala419Val; replaces alanine 419 with valine.
Molecular consequence: missense variant.
Genome position (GRCh38, 1-based): chr19:18,786,290, G>A on the plus strand (C>T on the coding strand, the complement: COMP is on the minus strand). VCF-style: chr19-18786290-G-A. GRCh37 (hg19) VCF-style: chr19-18897100-G-A.
Other names: short protein forms A419V.
Identifiers: ClinVar variation 2822043 (VCV002822043.3), dbSNP rs996754896, ClinGen allele CA306255614.